The following is an entry in ClinVar:

ClinVar aggregate classification (germline): Uncertain significance (1 of 4 stars; one submission).

Conditions:
Hereditary cancer-predisposing syndrome. Also called: Neoplastic Syndromes, Hereditary; Tumor predisposition; Hereditary Cancer Syndrome; Hereditary neoplastic syndrome. Identifiers: Orphanet 140162, MedGen C0027672, MeSH D009386, MONDO:0015356.

Submission:

Ambry Genetics
Classification: Uncertain significance for Hereditary cancer-predisposing syndrome. Last evaluated: 2025-09-22. Review status: criteria provided, single submitter. Criteria: Ambry Variant Classification Scheme 2023. Collection method: clinical testing. Allele origin: germline.
Comment: The p.V1014D variant (also known as c.3041T>A), located in coding exon 22 of the MSH3 gene, results from a T to A substitution at nucleotide position 3041. The valine at codon 1014 is replaced by aspartic acid, an amino acid with highly dissimilar properties. This amino acid position is conserved. In addition, this alteration is predicted to be deleterious by in silico analysis. Based on the available evidence, the clinical significance of this variant remains unclear.

NM_002439.5(MSH3):c.3041T>A (p.Val1014Asp)

Gene: MSH3 (mutS homolog 3; plus strand). Cytogenetic location: 5q14.1.
Variant type: single nucleotide variant.
Coding change: c.3041T>A on transcript NM_002439.5 (MANE Select); coding-DNA position 3041, T replaced by A.
Protein change: p.Val1014Asp; replaces valine 1014 with aspartic acid.
Molecular consequence: missense variant.
Genome position (GRCh38, 1-based): chr5:80,864,853, T>A. VCF-style: chr5-80864853-T-A. GRCh37 (hg19) VCF-style: chr5-80160672-T-A.
Other names: short protein forms V1014D.
Identifiers: ClinVar variation 4654237 (VCV004654237.1).